The following is an entry in ClinVar:

ClinVar aggregate classification (germline): Uncertain significance (1 of 4 stars; one submission).

Conditions:
Thrombomodulin-related bleeding disorder (THPH12). Also called: Thrombophilia due to thrombomodulin defect. Identifiers: Orphanet 436169, MedGen C3280976, MONDO:0013775, OMIM 614486.

Submission:

Genomenon, Inc
Classification: Uncertain significance for Thrombomodulin-related bleeding disorder. Last evaluated: 2025-09-22. Review status: criteria provided, single submitter. Criteria: Genomenon Sequence Variant Interpretation Standards - Updated. Collection method: curation. Allele origin: germline. Affected: no.
Comment: THBD p.Gln232His (c.696G>T) is a missense variant that changes the amino acid at residue 232 from Glutamine to Histidine. This variant has been reported in the published literature (PMID:37466676). It is absent or not present at a significant frequency in gnomAD. In silico models agree that this variant is not damaging. In conclusion, we classify THBD p.Gln232His (c.696G>T) as a variant of unknown significance.

Literature cited by the submitters: PubMed 37466676.

NM_000361.3(THBD):c.696G>T (p.Gln232His)

Gene: THBD (thrombomodulin; minus strand). Cytogenetic location: 20p11.21.
Variant type: single nucleotide variant.
Coding change: c.696G>T on transcript NM_000361.3 (MANE Select); coding-DNA position 696, G replaced by T.
Protein change: p.Gln232His; replaces glutamine 232 with histidine.
Molecular consequence: missense variant.
Genome position (GRCh38, 1-based): chr20:23,048,809, C>A on the plus strand (G>T on the coding strand, the complement: THBD is on the minus strand). VCF-style: chr20-23048809-C-A. GRCh37 (hg19) VCF-style: chr20-23029446-C-A.
Other names: short protein forms Q232H.
Identifiers: ClinVar variation 4280587 (VCV004280587.1).
Genomic context (GRCh38, chr20:23,048,809, plus strand): 5'-GCAGCCGCCGTTCTCCACGCTGCAGTCCCAAGCGCCCGGCGCCTCCCTGGCCCAGTGCCC[C>A]TGGACCGCTCCGGGCGGCGCGGTGCACATTAGCTGTAAGCCGAGGGGAGCCACCGCGGCG-3'
Protein context (NP_000352.1, residues 222-242): LMCTAPPGAV[Gln232His]GHWAREAPGA